The following is an entry in ClinVar:

NM_005560.6(LAMA5):c.6496+1G>C

Gene: LAMA5 (laminin subunit alpha 5; minus strand). Cytogenetic location: 20q13.33.
Variant type: single nucleotide variant.
Coding change: c.6496+1G>C on transcript NM_005560.6 (MANE Select); the canonical splice donor site of the intron after coding-DNA position 6496, G replaced by C.
Molecular consequence: splice donor variant.
Genome position (GRCh38, 1-based): chr20:62,322,018, C>G on the plus strand (G>C on the coding strand, the complement: LAMA5 is on the minus strand). VCF-style: chr20-62322018-C-G. GRCh37 (hg19) VCF-style: chr20-60897074-C-G.
Identifiers: ClinVar variation 3609847 (VCV003609847.2).

ClinVar aggregate classification (germline): Uncertain significance (1 of 4 stars; one submission).

Submission:

Labcorp Genetics (formerly Invitae), Labcorp
Classification: Uncertain significance. Last evaluated: 2024-07-01. Review status: criteria provided, single submitter. Criteria: Invitae Variant Classification Sherloc (09022015). Collection method: clinical testing. Allele origin: germline.
Comment: This sequence change affects a donor splice site in intron 48 of the LAMA5 gene. It is expected to disrupt RNA splicing. Variants that disrupt the donor or acceptor splice site typically lead to a loss of protein function (PMID: 16199547), however the current clinical and genetic evidence is not sufficient to establish whether loss-of-function variants in LAMA5 cause disease. This variant is not present in population databases (gnomAD no frequency). This variant has not been reported in the literature in individuals affected with LAMA5-related conditions. Algorithms developed to predict the effect of sequence changes on RNA splicing suggest that this variant may disrupt the consensus splice site. In summary, the available evidence is currently insufficient to determine the role of this variant in disease. Therefore, it has been classified as a Variant of Uncertain Significance.

Literature cited by the submitters: PubMed 16199547.